The following is an entry in ClinVar:

ClinVar aggregate classification (germline): Likely benign. Review status: criteria provided, multiple submitters, no conflicts (2 of 4 stars). 3 submissions from 3 submitters: Likely benign (3). Last evaluated 2026-01-11.

Conditions:
Congenital contractural arachnodactyly (CCA). Also called: BEALS SYNDROME; Beals-Hecht syndrome; Arthrogryposis, distal, type 9. Identifiers: Orphanet 115, MedGen C0220668, MONDO:0007363, OMIM 121050.
Familial thoracic aortic aneurysm and aortic dissection (TAAD). Also called: Thoracic aortic aneurysms and dissections. Identifiers: Orphanet 91387, MedGen C4707243, MONDO:0019625.
FBN2-related disorder. Also called: FBN2-related condition.

Allele frequency attached by ClinVar (database versions not stated): gnomAD 0.00001 and 0.00003; TOPMed 0.00004; ExAC 0.00005; gnomAD exomes 0.00006; 1000 Genomes Project 30x 0.00016; 1000 Genomes Project 0.00020.
gnomAD v4.1: 53 of 1,614,118 alleles (0.0033%); highest among the groups gnomAD compares: East Asian, 0.078%; no homozygotes.

Submissions (3):

Labcorp Genetics (formerly Invitae), Labcorp
Classification: Likely benign for Congenital contractural arachnodactyly. Last evaluated: 2026-01-11. Review status: criteria provided, single submitter. Criteria: Invitae Variant Classification Sherloc (09022015). Collection method: clinical testing. Allele origin: germline.

PreventionGenetics, part of Exact Sciences
Classification: Likely benign for FBN2-related condition. Last evaluated: 2025-08-31. Review status: criteria provided, single submitter. Criteria: ACMG Guidelines, 2015. Collection method: clinical testing. Allele origin: germline.
Comment: This variant is classified as likely benign based on ACMG/AMP sequence variant interpretation guidelines (Richards et al. 2015 PMID: 25741868, with internal and published modifications).

Ambry Genetics
Classification: Likely benign for Familial thoracic aortic aneurysm and aortic dissection. Last evaluated: 2024-08-05. Review status: criteria provided, single submitter. Criteria: Ambry Variant Classification Scheme 2023. Collection method: clinical testing. Allele origin: germline.

NM_001999.4(FBN2):c.3114G>C (p.Glu1038Asp)

Genes: FBN2 (fibrillin 2; minus strand), LOC126807501 (BRD4-independent group 4 enhancer GRCh37_chr5:127680731-127681930; plus strand). Cytogenetic location: 5q23.3.
Variant type: single nucleotide variant.
Coding change: c.3114G>C on transcript NM_001999.4 (MANE Select); coding-DNA position 3114, G replaced by C.
Protein change: p.Glu1038Asp; replaces glutamic acid 1038 with aspartic acid.
Molecular consequence: missense variant.
Genome position (GRCh38, 1-based): chr5:128,345,460, C>G on the plus strand (G>C on the coding strand, the complement: FBN2 is on the minus strand). VCF-style: chr5-128345460-C-G. GRCh37 (hg19) VCF-style: chr5-127681152-C-G.
Other names: short protein forms E1038D.
Identifiers: ClinVar variation 519852 (VCV000519852.10), dbSNP rs199938409, ClinGen allele CA3395325.